The following is an entry in ClinVar:

NM_017636.4(TRPM4):c.546G>C (p.Lys182Asn)

Gene: TRPM4 (transient receptor potential cation channel subfamily M member 4; plus strand). Cytogenetic location: 19q13.33.
Variant type: single nucleotide variant.
Coding change: c.546G>C on transcript NM_017636.4 (MANE Select); coding-DNA position 546, G replaced by C.
Protein change: p.Lys182Asn; replaces lysine 182 with asparagine.
Molecular consequence: missense variant. On other transcripts: intron variant (2), 5 prime UTR variant (1).
Genome position (GRCh38, 1-based): chr19:49,168,357, G>C. VCF-style: chr19-49168357-G-C. GRCh37 (hg19) VCF-style: chr19-49671614-G-C.
Other names: c.24G>C, p.Lys8Asn (NM_001321283.2); c.268-196G>C (NM_001321281.2); c.-237-196G>C (NM_001321285.2); c.546G>C, p.Lys182Asn (NM_001195227.2); c.-1008G>C (NM_001321282.2); short protein forms K182N, K8N.
Identifiers: ClinVar variation 5031158 (VCV005031158.1).

ClinVar aggregate classification (germline): Uncertain significance (1 of 4 stars; one submission).

Conditions:
Cardiovascular phenotype. Identifiers: MedGen CN230736.

gnomAD v4.1: 1 of 1,614,136 alleles (0.000062%); highest among the groups gnomAD compares: Admixed American, 0.0017%; no homozygotes.

Submission:

Ambry Genetics
Classification: Uncertain significance for Cardiovascular phenotype. Last evaluated: 2026-09-04. Review status: criteria provided, single submitter. Criteria: Ambry Variant Classification Scheme 2023. Collection method: clinical testing. Allele origin: germline.
Comment: The p.K182N variant (also known as c.546G>C), located in coding exon 5 of the TRPM4 gene, results from a G to C substitution at nucleotide position 546. The lysine at codon 182 is replaced by asparagine, an amino acid with similar properties. This amino acid position is conserved. In addition, this alteration is predicted to be tolerated by in silico analysis. Based on the available evidence, the clinical significance of this variant remains unclear.